The following is an entry in ClinVar:

NM_024876.4(COQ8B):c.1084C>T (p.Arg362Ter)

Gene: COQ8B (coenzyme Q8B; minus strand). Cytogenetic location: 19q13.2.
Variant type: single nucleotide variant.
Coding change: c.1084C>T on transcript NM_024876.4 (MANE Select); coding-DNA position 1084, C replaced by T.
Protein change: p.Arg362Ter; replaces arginine 362 with a stop codon.
Molecular consequence: nonsense.
Genome position (GRCh38, 1-based): chr19:40,700,126, G>A on the plus strand (C>T on the coding strand, the complement: COQ8B is on the minus strand). VCF-style: chr19-40700126-G-A. GRCh37 (hg19) VCF-style: chr19-41206031-G-A.
Other names: c.961C>T, p.Arg321Ter (NM_001142555.3); short protein forms R362*, R321*.
Identifiers: ClinVar variation 2082603 (VCV002082603.6), dbSNP rs146616224, ClinGen allele CA9450155.

ClinVar aggregate classification (germline): Pathogenic/Likely pathogenic. Review status: criteria provided, multiple submitters, no conflicts (2 of 4 stars). 2 submissions from 2 submitters: Pathogenic (1); Likely pathogenic (1). Last evaluated 2023-12-01.

Conditions:
Nephrotic syndrome, type 9 (NPHS9). Identifiers: Orphanet 656, MedGen C3809965, MONDO:0014257, OMIM 615573.

Allele frequency attached by ClinVar (database versions not stated): ExAC 0.00002; gnomAD 0.00003; TOPMed 0.00006; ESP Exome Variant Server 0.00008.
gnomAD v4.1: 17 of 1,614,132 alleles (0.0011%); highest among the groups gnomAD compares: African/African-American, 0.015%; no homozygotes.

Submissions (2):

Precision Medicine Center, Zhengzhou University
Classification: Likely pathogenic for Nephrotic syndrome, type 9. Last evaluated: 2023-12-01. Review status: criteria provided, single submitter. Criteria: ACMG Guidelines, 2015. Collection method: clinical testing. Allele origin: maternal. Affected: yes.
Comment: PVS1,PM2_p

Labcorp Genetics (formerly Invitae), Labcorp
Classification: Pathogenic. Last evaluated: 2023-09-23. Review status: criteria provided, single submitter. Criteria: Invitae Variant Classification Sherloc (09022015). Collection method: clinical testing. Allele origin: germline.
Comment: For these reasons, this variant has been classified as Pathogenic. ClinVar contains an entry for this variant (Variation ID: 2082603). This variant has not been reported in the literature in individuals affected with COQ8B-related conditions. This variant is present in population databases (rs146616224, gnomAD 0.007%). This sequence change creates a premature translational stop signal (p.Arg362*) in the COQ8B gene. It is expected to result in an absent or disrupted protein product. Loss-of-function variants in COQ8B are known to be pathogenic (PMID: 24270420).

Literature cited by the submitters: PubMed 24270420 (cited by Labcorp Genetics (formerly Invitae), Labcorp).